The following is an entry in ClinVar:

NM_001079872.2(CUL4B):c.369C>G (p.Ser123=)

Genes: CUL4B (cullin 4B; minus strand), LOC113845788 (Sharpr-MPRA regulatory region 11856; plus strand). Cytogenetic location: Xq24.
Variant type: single nucleotide variant.
Coding change: c.369C>G on transcript NM_001079872.2 (MANE Select); coding-DNA position 369, C replaced by G.
Protein change: p.Ser123=; no amino-acid change (serine 123 retained).
Molecular consequence: synonymous variant.
Genome position (GRCh38, 1-based): chrX:120,560,270, G>C on the plus strand (C>G on the coding strand, the complement: CUL4B is on the minus strand). VCF-style: chrX-120560270-G-C. GRCh37 (hg19) VCF-style: chrX-119694125-G-C.
Other names: c.384C>G, p.Ser128= (NM_001330624.2); c.423C>G, p.Ser141= (NM_003588.4).
Identifiers: ClinVar variation 4981017 (VCV004981017.1).
Genomic context (GRCh38, chrX:120,560,270, plus strand): 5'-ACTCTTATTTTTAAGTTGCTGCTGCTGAGATGTTGCAGCAGTTGGTGAAGATGAGGAGGA[G>C]GAGGAGGAGGATTCCTCAGCCATCTTCGCATCAAACCCTACAAACTCCAGGGTGTCTTCA-3'
Protein context (NP_001073341.1, residues 113-133): DAKMAEESSS[Ser123=]SSSSSPTAAT

ClinVar aggregate classification (germline): Likely benign (1 of 4 stars; one submission).

Conditions:
CUL4B-related disorder. Also called: CUL4B-related condition.

Submission:

PreventionGenetics, part of Exact Sciences
Classification: Likely benign for CUL4B-related condition. Last evaluated: 2026-02-17. Review status: criteria provided, single submitter. Criteria: ACMG Guidelines, 2015. Collection method: clinical testing. Allele origin: germline.
Comment: This variant is classified as likely benign based on ACMG/AMP sequence variant interpretation guidelines (Richards et al. 2015 PMID: 25741868, with internal and published modifications).